The following is an entry in ClinVar:

NM_001042492.3(NF1):c.3317A>G (p.Tyr1106Cys)

Gene: NF1 (neurofibromin 1; plus strand). Cytogenetic location: 17q11.2.
Variant type: single nucleotide variant.
Coding change: c.3317A>G on transcript NM_001042492.3 (MANE Select); coding-DNA position 3317, A replaced by G.
Protein change: p.Tyr1106Cys; replaces tyrosine 1106 with cysteine.
Molecular consequence: missense variant.
Genome position (GRCh38, 1-based): chr17:31,232,702, A>G. VCF-style: chr17-31232702-A-G. GRCh37 (hg19) VCF-style: chr17-29559720-A-G.
Other names: p.Tyr1106Cys; c.3317A>G, p.Tyr1106Cys (NM_000267.4); short protein forms Y1106C.
Identifiers: ClinVar variation 586172 (VCV000586172.12), dbSNP rs1567850987, ClinGen allele CA398988963.

ClinVar aggregate classification (germline): Conflicting classifications of pathogenicity. Review status: criteria provided, conflicting classifications (1 of 4 stars). 5 submissions from 5 submitters: Pathogenic (1); Likely pathogenic (2); Uncertain significance (2). Last evaluated 2025-10-30.

Conditions:
Hereditary cancer-predisposing syndrome. Also called: Neoplastic Syndromes, Hereditary; Hereditary Cancer Syndrome; Hereditary neoplastic syndrome; Tumor predisposition. Identifiers: Orphanet 140162, MedGen C0027672, MeSH D009386, MONDO:0015356.
Cardiovascular phenotype. Identifiers: MedGen CN230736.
Intellectual disability. Also called: Intellectual developmental disorder; Intellectual functioning disability; intellectual disabilities. Identifiers: MedGen C3714756, MeSH D008607, MONDO:0001071, HP:0001249.
Neurofibromatosis, type 1 (NF1). Also called: Peripheral type neurofibromatosis; Neurofibromatosis, type I; VON RECKLINGHAUSEN DISEASE; NEUROFIBROMATOSIS, TYPE I, SOMATIC. Identifiers: Orphanet 636, MedGen C0027831, MONDO:0018975, OMIM 162200. Disease mechanism: loss of function.

Submissions (5):

Ambry Genetics
Classification: Pathogenic for Cardiovascular phenotype; Hereditary cancer-predisposing syndrome. Last evaluated: 2025-10-30. Review status: criteria provided, single submitter. Criteria: Ambry Variant Classification Scheme 2023. Collection method: clinical testing. Allele origin: germline.
Comment: The c.3317A>G (p.Y1106C) alteration is located in exon 26 (coding exon 26) of the NF1 gene. This alteration results from an A to G substitution at nucleotide position 3317, causing the tyrosine (Y) at amino acid position 1106 to be replaced by a cysteine (C). This variant was not reported in population-based cohorts in the Genome Aggregation Database (gnomAD). This variant was reported in individual(s) with features consistent with Neurofibromatosis type 1; in at least one individual, it was determined to be de novo (external communication). This amino acid position is highly conserved in available vertebrate species. The in silico prediction for this alteration is inconclusive. Based on the available evidence, this alteration is classified as pathogenic.

Athena Diagnostics
Classification: Likely pathogenic. Last evaluated: 2025-02-13. Review status: criteria provided, single submitter. Criteria: Athena Diagnostics Criteria. Collection method: clinical testing. Allele origin: unknown.
Comment: This variant has not been reported in large, multi-ethnic general populations. This variant has been identified de novo in at least one individual with clinical features associated with autosomal dominant neurofibromatosis type 1 (NF1). Polyphen and MutationTaster predict this amino acid change may be damaging to the protein.

Labcorp Genetics (formerly Invitae), Labcorp
Classification: Likely pathogenic for Neurofibromatosis, type 1. Last evaluated: 2024-03-10. Review status: criteria provided, single submitter. Criteria: Invitae Variant Classification Sherloc (09022015). Collection method: clinical testing. Allele origin: germline.
Comment: This sequence change replaces tyrosine, which is neutral and polar, with cysteine, which is neutral and slightly polar, at codon 1106 of the NF1 protein (p.Tyr1106Cys). This variant is not present in population databases (gnomAD no frequency). This missense change has been observed in individual(s) with clinical features consistent with neurofibromatosis, type 1 (Invitae). In at least one individual the variant was observed to be de novo. ClinVar contains an entry for this variant (Variation ID: 586172). An algorithm developed to predict the effect of missense changes on protein structure and function (PolyPhen-2) suggests that this variant is likely to be disruptive. In summary, the currently available evidence indicates that the variant is pathogenic, but additional data are needed to prove that conclusively. Therefore, this variant has been classified as Likely Pathogenic.

Mayo Clinic Laboratories, Mayo Clinic
Classification: Uncertain significance. Last evaluated: 2024-01-23. Review status: criteria provided, single submitter. Criteria: ACMG Guidelines, 2015. Collection method: clinical testing. Allele origin: germline. Observed: 2 variant alleles.
Comment: PP4, PM2_moderate

Cambridge Genomics Laboratory, East Genomic Laboratory Hub, NHS Genomic Medicine Service
Classification: Uncertain significance for Intellectual disability. Last evaluated: 2020-01-10. Review status: criteria provided, single submitter. Criteria: ACGS Best Practice Guidelines for Variant Classification in Rare Disease 2020. Collection method: clinical testing. Allele origin: germline. Affected: yes. Observed: 1 variant allele.

Literature cited by the submitters: PubMed 21822264 (cited by Athena Diagnostics).